The following is an entry in ClinVar:

ClinVar aggregate classification (germline): Uncertain significance (1 of 4 stars; one submission).

Conditions:
Desmin-related myofibrillar myopathy (MFM1). Also called: Desminopathy; Desmin related myopathy (former name); Desmin storage myopathy (former name); MYOFIBRILLAR MYOPATHY WITH ARRHYTHMOGENIC RIGHT VENTRICULAR CARDIOMYOPATHY; DESMIN-RELATED MYOPATHY WITH ARRHYTHMOGENIC RIGHT VENTRICULAR CARDIOMYOPATHY; Myofibrillar myopathy 1. Identifiers: Orphanet 363543, Orphanet 98909, MedGen C1832370, MONDO:0011076, OMIM 601419.

Submission:

Labcorp Genetics (formerly Invitae), Labcorp
Classification: Uncertain significance for Desmin-related myofibrillar myopathy. Last evaluated: 2018-03-22. Review status: criteria provided, single submitter. Criteria: Invitae Variant Classification Sherloc (09022015). Collection method: clinical testing. Allele origin: germline.
Comment: The current clinical and genetic evidence is not sufficient to establish whether loss-of-function variants in DES cause disease. In summary, the available evidence is currently insufficient to determine the role of this variant in disease. Therefore, it has been classified as a Variant of Uncertain Significance. This variant has not been reported in the literature in individuals with DES-related disease. ClinVar contains an entry for this variant (Variation ID: 411148). This variant is not present in population databases (ExAC no frequency). This sequence change results in a premature translational stop signal in the DES gene (p.Glu452Thrfs*8). While this is not anticipated to result in nonsense mediated decay, it is expected to disrupt the last 19 amino acids of the DES protein.

NM_001927.4(DES):c.1354_1358del (p.Glu452fs)

Gene: DES (desmin; plus strand). Cytogenetic location: 2q35.
Variant type: Deletion.
Coding change: c.1354_1358del on transcript NM_001927.4 (MANE Select); coding-DNA positions 1354 to 1358, 5 bases deleted (GAGAC; older notation c.1354_1358delGAGAC).
Protein change: p.Glu452fs; shifts the reading frame from glutamic acid 452.
Molecular consequence: frameshift variant.
Genome position (GRCh38, 1-based): chr2:219,425,728-219,425,732, GAGAC deleted; deleting any 5 consecutive bases within chr2:219,425,727-219,425,732 gives the same sequence; the c. name uses the placement nearest the transcript's 3' end. VCF-style (leftmost placement, unchanged base first): chr2-219425726-TCGAGA-T. GRCh37 (hg19) VCF-style: chr2-220290448-TCGAGA-T.
Other names: c.1354_1358del (LRG_380t1); short protein forms E452fs.
Identifiers: ClinVar variation 411148 (VCV000411148.7), dbSNP rs1060503171, ClinGen allele CA16610722.